The following is an entry in ClinVar:

NM_014974.3(DIP2C):c.2633C>T (p.Ala878Val)

Gene: DIP2C (disco interacting protein 2 homolog C; minus strand). Cytogenetic location: 10p15.3.
Variant type: single nucleotide variant.
Coding change: c.2633C>T on transcript NM_014974.3 (MANE Select); coding-DNA position 2633, C replaced by T.
Protein change: p.Ala878Val; replaces alanine 878 with valine.
Molecular consequence: missense variant.
Genome position (GRCh38, 1-based): chr10:362,651, G>A on the plus strand (C>T on the coding strand, the complement: DIP2C is on the minus strand). VCF-style: chr10-362651-G-A. GRCh37 (hg19) VCF-style: chr10-408591-G-A.
Other names: short protein forms A878V.
Identifiers: ClinVar variation 3384423 (VCV003384423.1).

ClinVar aggregate classification (germline): Uncertain significance (1 of 4 stars; one submission).

Submission:

GeneDx
Classification: Uncertain significance. Last evaluated: 2024-05-21. Review status: criteria provided, single submitter. Criteria: GeneDx Variant Classification Process June 2021. Collection method: clinical testing. Allele origin: germline. Affected: yes.
Comment: Not observed at significant frequency in large population cohorts (gnomAD); In silico analysis supports that this missense variant has a deleterious effect on protein structure/function; Has not been previously published as pathogenic or benign to our knowledge